The following is an entry in ClinVar:

NM_000213.5(ITGB4):c.5054-1G>T

Genes: GALK1 (galactokinase 1; minus strand), ITGB4 (integrin subunit beta 4; plus strand). Cytogenetic location: 17q25.1.
Variant type: single nucleotide variant.
Coding change: c.5054-1G>T on transcript NM_000213.5 (MANE Select); the canonical splice acceptor site of the intron before coding-DNA position 5054, G replaced by T.
Molecular consequence: splice acceptor variant. On other transcripts: intron variant (1).
Genome position (GRCh38, 1-based): chr17:75,756,942, G>T. VCF-style: chr17-75756942-G-T. GRCh37 (hg19) VCF-style: chr17-73753023-G-T.
Other names: c.5003-1G>T (NM_001005619.2); c.4844-1G>T (NM_001005731.3, NM_001321123.2); c.4694-1G>T (NM_001438834.1); c.*22+1092C>A (NM_001381985.1).
Identifiers: ClinVar variation 3019361 (VCV003019361.4), dbSNP rs1176100000, ClinGen allele CA401092434.

ClinVar aggregate classification (germline): Likely pathogenic (1 of 4 stars; one submission).

Allele frequency attached by ClinVar (database versions not stated): gnomAD exomes below 0.00001.
gnomAD v4.1: 2 of 1,612,542 alleles (0.00012%); highest among the groups gnomAD compares: Middle Eastern, 0.033%; 1 homozygote.

Submissions (2):

Labcorp Genetics (formerly Invitae), Labcorp
Classification: Likely pathogenic. Last evaluated: 2023-07-28. Review status: criteria provided, single submitter. Criteria: Invitae Variant Classification Sherloc (09022015). Collection method: clinical testing. Allele origin: germline.
Comment: This variant has not been reported in the literature in individuals affected with ITGB4-related conditions. In summary, the currently available evidence indicates that the variant is pathogenic, but additional data are needed to prove that conclusively. Therefore, this variant has been classified as Likely Pathogenic. Algorithms developed to predict the effect of sequence changes on RNA splicing suggest that this variant may disrupt the consensus splice site. This variant is not present in population databases (gnomAD no frequency). This sequence change affects an acceptor splice site in intron 36 of the ITGB4 gene. It is expected to disrupt RNA splicing. Variants that disrupt the donor or acceptor splice site typically lead to a loss of protein function (PMID: 16199547), and loss-of-function variants in ITGB4 are known to be pathogenic (PMID: 11328943, 16473856).

Dr. Peter K. Rogan Lab, Western University
No classification provided (evidence only). Condition: Uterine corpus endometrial carcinoma. Review status: no classification provided. Collection method: in vitro. Allele origin: not applicable. Functional consequence: retained intron. Not counted in ClinVar's aggregate classification.

Literature cited by the submitters: PubMed 16199547 (cited by Labcorp Genetics (formerly Invitae), Labcorp); PubMed 11328943 (cited by Labcorp Genetics (formerly Invitae), Labcorp); PubMed 16473856 (cited by Labcorp Genetics (formerly Invitae), Labcorp).